The following is an entry in ClinVar:

NM_001164508.2(NEB):c.11982C>G (p.Ile3994Met)

Gene: NEB (nebulin; minus strand). Cytogenetic location: 2q23.3.
Variant type: single nucleotide variant.
Coding change: c.11982C>G on transcript NM_001164508.2 (MANE Select); coding-DNA position 11982, C replaced by G.
Protein change: p.Ile3994Met; replaces isoleucine 3994 with methionine.
Molecular consequence: missense variant.
Genome position (GRCh38, 1-based): chr2:151,610,552, G>C on the plus strand (C>G on the coding strand, the complement: NEB is on the minus strand). VCF-style: chr2-151610552-G-C. GRCh37 (hg19) VCF-style: chr2-152467066-G-C.
Other names: c.11982C>G (NM_001271208.1); c.11982C>G, p.Ile3994Met (NM_001164507.2, NM_001271208.2); c.11253C>G, p.Ile3751Met (NM_004543.5); c.11253C>G (NM_004543.4); short protein forms I3751M, I3994M.
Identifiers: ClinVar variation 1023539 (VCV001023539.12), dbSNP rs780157705, ClinGen allele CA1908616.

ClinVar aggregate classification (germline): Conflicting classifications of pathogenicity. Review status: criteria provided, conflicting classifications (1 of 4 stars). 4 submissions from 4 submitters: Uncertain significance (1); Likely benign (1). 2 of the submissions do not count toward it. Last evaluated 2025-10-01.

Conditions:
NEB-related disorder. Also called: NEB-related condition; NEB-Related Disorders.
Nemaline myopathy 2 (NEM2). Also called: Nemaline myopathy 2, autosomal recessive. Identifiers: MedGen C1850569, MONDO:0009725, OMIM 256030.
Inborn genetic diseases. Identifiers: MedGen C0950123, MeSH D030342.

Allele frequency attached by ClinVar (database versions not stated): ExAC 0.00001; gnomAD exomes 0.00001.
gnomAD v4.1: 8 of 1,613,620 alleles (0.0005%); highest among the groups gnomAD compares: African/African-American, 0.004%; no homozygotes.

Submissions (4):

Labcorp Genetics (formerly Invitae), Labcorp
Classification: Likely benign for Nemaline myopathy 2. Last evaluated: 2025-10-01. Review status: criteria provided, single submitter. Criteria: Invitae Variant Classification Sherloc (09022015). Collection method: clinical testing. Allele origin: germline.

Ambry Genetics
Classification: Uncertain significance for Inborn genetic diseases. Last evaluated: 2025-09-27. Review status: criteria provided, single submitter. Criteria: Ambry Variant Classification Scheme 2023. Collection method: clinical testing. Allele origin: germline.
Comment: The c.11253C>G (p.I3751M) alteration is located in exon 77 (coding exon 75) of the NEB gene. This alteration results from a C to G substitution at nucleotide position 11253, causing the isoleucine (I) at amino acid position 3751 to be replaced by a methionine (M). Based on data from gnomAD, the G allele has an overall frequency of 0.001% (2/248984) total alleles studied. The highest observed frequency was 0.006% (2/34520) of Latino alleles. Based on insufficient or conflicting evidence, the clinical significance of this alteration remains unclear.

PreventionGenetics, part of Exact Sciences
Classification: Uncertain significance for NEB-related condition. Last evaluated: 2023-11-22. Review status: no assertion criteria provided. Collection method: clinical testing. Allele origin: germline. Not counted in ClinVar's aggregate classification.
Comment: The NEB c.11982C>G variant is predicted to result in the amino acid substitution p.Ile3994Met. To our knowledge, this variant has not been reported in the literature. This variant is reported in 0.0058% of alleles in individuals of Latino descent in gnomAD. At this time, the clinical significance of this variant is uncertain due to the absence of conclusive functional and genetic evidence.

Natera, Inc.
Classification: Uncertain significance for Nemaline myopathy type 2. Last evaluated: 2020-02-17. Review status: no assertion criteria provided. Collection method: clinical testing. Allele origin: germline. Not counted in ClinVar's aggregate classification.